The following is an entry in ClinVar:

NM_019842.4(KCNQ5):c.2042G>T (p.Ser681Ile)

Gene: KCNQ5 (potassium voltage-gated channel subfamily Q member 5; plus strand). Cytogenetic location: 6q13.
Variant type: single nucleotide variant.
Coding change: c.2042G>T on transcript NM_019842.4 (MANE Select); coding-DNA position 2042, G replaced by T.
Protein change: p.Ser681Ile; replaces serine 681 with isoleucine.
Molecular consequence: missense variant.
Genome position (GRCh38, 1-based): chr6:73,194,657, G>T. VCF-style: chr6-73194657-G-T. GRCh37 (hg19) VCF-style: chr6-73904380-G-T.
Other names: c.2015G>T, p.Ser672Ile (NM_001160130.2); c.2072G>T, p.Ser691Ile (NM_001160132.2); c.2099G>T, p.Ser700Ile (NM_001160133.2); c.1712G>T, p.Ser571Ile (NM_001160134.2); short protein forms S571I, S672I, S681I, S691I, S700I.
Identifiers: ClinVar variation 3377689 (VCV003377689.1).

ClinVar aggregate classification (germline): Uncertain significance (1 of 4 stars; one submission).

Conditions:
Intellectual developmental disorder, autosomal dominant 46. Also called: MENTAL RETARDATION, AUTOSOMAL DOMINANT 46; Intellectual disability, autosomal dominant 46. Identifiers: MedGen C4539851, MONDO:0030911, OMIM 617601.

Submission:

Neuberg Centre For Genomic Medicine, NCGM
Classification: Uncertain significance for Intellectual developmental disorder, autosomal dominant 46. Last evaluated: 2023-06-22. Review status: criteria provided, single submitter. Criteria: ACMG Guidelines, 2015. Collection method: clinical testing. Allele origin: germline. Inheritance: Autosomal dominant inheritance. Affected: yes.
Comment: The observed missense c.2042G>T (p.Ser681Ile) variant in KCNQ5 gene has not been reported previously as a pathogenic variant nor as a benign variant, to our knowledge. The p.Ser681Ile variant is absent in gnomAD Exomes. This variant has not been submitted to the ClinVar database. Multiple lines of computational evidence (Polyphen - Possibly Damaging, SIFT - Damaging and MutationTaster - Disease causing) predict a damaging effect on protein structure and function for this variant. The reference amino acid of p.Ser681Ile in KCNQ5 is predicted as conserved by GERP++ and PhyloP across 100 vertebrates. The amino acid Ser at position 681 is changed to a Ile changing protein sequence and it might alter its composition and physico-chemical properties. For these reasons, this variant has been classified as a Variant of Uncertain Significance (VUS).